The following is an entry in ClinVar:

ClinVar aggregate classification (germline): Uncertain significance (1 of 4 stars; one submission).

Conditions:
Hypoplastic left heart syndrome. Also called: Hypoplastic left heart; Hypoplastic left ventricle. Identifiers: Orphanet 2248, MedGen C0152101, MONDO:0004933, HP:0004383.

Allele frequency attached by ClinVar (database versions not stated): gnomAD 0.00001.

Submission:

Labcorp Genetics (formerly Invitae), Labcorp
Classification: Uncertain significance for Hypoplastic left heart syndrome. Last evaluated: 2025-02-02. Review status: criteria provided, single submitter. Criteria: Invitae Variant Classification Sherloc (09022015). Collection method: clinical testing. Allele origin: germline.
Comment: This sequence change replaces lysine, which is basic and polar, with arginine, which is basic and polar, at codon 167 of the HAND1 protein (p.Lys167Arg). This variant is present in population databases (rs202139442, gnomAD 0.002%). This variant has not been reported in the literature in individuals affected with HAND1-related conditions. ClinVar contains an entry for this variant (Variation ID: 3020853). An algorithm developed to predict the effect of missense changes on protein structure and function (PolyPhen-2) suggests that this variant is likely to be tolerated. In summary, the available evidence is currently insufficient to determine the role of this variant in disease. Therefore, it has been classified as a Variant of Uncertain Significance.

NM_004821.3(HAND1):c.500A>G (p.Lys167Arg)

Gene: HAND1 (heart and neural crest derivatives expressed 1; minus strand). Cytogenetic location: 5q33.2.
Variant type: single nucleotide variant.
Coding change: c.500A>G on transcript NM_004821.3 (MANE Select); coding-DNA position 500, A replaced by G.
Protein change: p.Lys167Arg; replaces lysine 167 with arginine.
Molecular consequence: missense variant.
Genome position (GRCh38, 1-based): chr5:154,477,509, T>C on the plus strand (A>G on the coding strand, the complement: HAND1 is on the minus strand). VCF-style: chr5-154477509-T-C. GRCh37 (hg19) VCF-style: chr5-153857069-T-C.
Other names: short protein forms K167R.
Identifiers: ClinVar variation 3020853 (VCV003020853.3), dbSNP rs202139442, ClinGen allele CA3526551.